The following is an entry in ClinVar:

NM_001367823.1(ARHGEF18):c.2104+4A>C

Gene: ARHGEF18 (Rho/Rac guanine nucleotide exchange factor 18; plus strand). Cytogenetic location: 19p13.2.
Variant type: single nucleotide variant.
Coding change: c.2104+4A>C on transcript NM_001367823.1 (MANE Select); 4 bases into the intron after coding-DNA position 2104, A replaced by C.
Molecular consequence: intron variant.
Genome position (GRCh38, 1-based): chr19:7,453,719, A>C. VCF-style: chr19-7453719-A-C. GRCh37 (hg19) VCF-style: chr19-7518605-A-C.
Other names: c.1066+4A>C (NM_001367824.1, NM_015318.4); c.1378+4A>C (NM_001130955.2).
Identifiers: ClinVar variation 961225 (VCV000961225.6), dbSNP rs202175997, ClinGen allele CA9136705.

ClinVar aggregate classification (germline): Conflicting classifications of pathogenicity. Review status: criteria provided, conflicting classifications (1 of 4 stars). 2 submissions from 2 submitters: Uncertain significance (1); Likely benign (1). Last evaluated 2023-09-25.

Allele frequency attached by ClinVar (database versions not stated): gnomAD exomes 0.00006 and 0.00011; ExAC 0.00007; gnomAD 0.00007 and 0.00008; TOPMed 0.00015; ESP Exome Variant Server 0.00031.
gnomAD v4.1: 94 of 1,545,708 alleles (0.0061%); highest among the groups gnomAD compares: Middle Eastern, 0.018%; no homozygotes.

Submissions (2):

Labcorp Genetics (formerly Invitae), Labcorp
Classification: Uncertain significance. Last evaluated: 2023-09-25. Review status: criteria provided, single submitter. Criteria: Invitae Variant Classification Sherloc (09022015). Collection method: clinical testing. Allele origin: germline.
Comment: This sequence change falls in intron 7 of the ARHGEF18 gene. It does not directly change the encoded amino acid sequence of the ARHGEF18 protein. It affects a nucleotide within the consensus splice site. This variant is present in population databases (rs202175997, gnomAD 0.1%). This variant has not been reported in the literature in individuals affected with ARHGEF18-related conditions. ClinVar contains an entry for this variant (Variation ID: 961225). Variants that disrupt the consensus splice site are a relatively common cause of aberrant splicing (PMID: 17576681, 9536098). Algorithms developed to predict the effect of sequence changes on RNA splicing suggest that this variant is not likely to affect RNA splicing. In summary, the available evidence is currently insufficient to determine the role of this variant in disease. Therefore, it has been classified as a Variant of Uncertain Significance.

Blueprint Genetics
Classification: Likely benign. Last evaluated: 2022-10-05. Review status: criteria provided, single submitter. Criteria: ACMG Guidelines, 2015. Collection method: clinical testing. Allele origin: germline.

Literature cited by the submitters: PubMed 17576681 (cited by Labcorp Genetics (formerly Invitae), Labcorp); PubMed 9536098 (cited by Labcorp Genetics (formerly Invitae), Labcorp).